The following is an entry in ClinVar:

NM_001165963.4(SCN1A):c.5569del (p.Met1856_Val1857insTer)

Genes: SCN1A (sodium voltage-gated channel alpha subunit 1; minus strand), LOC102724058 (uncharacterized LOC102724058; plus strand). Cytogenetic location: 2q24.3.
Variant type: Deletion.
Coding change: c.5569del on transcript NM_001165963.4 (MANE Select); coding-DNA position 5569, one base deleted (G; older notation c.5569delG).
Protein change: p.Met1856_Val1857insTer.
Molecular consequence: nonsense. On other transcripts: non-coding transcript variant (1).
Genome position (GRCh38, 1-based): chr2:165,991,706, C deleted on the plus strand (G on the coding strand, the reverse complement: SCN1A is on the minus strand); the first of 2 consecutive C bases (chr2:165,991,706-165,991,707); deleting either gives the same sequence. VCF-style (leftmost placement, unchanged base first): chr2-165991705-AC-A. GRCh37 (hg19) VCF-style: chr2-166848215-AC-A.
Other names: c.5485del, p.Met1828_Val1829insTer (NM_001165964.3, NM_001353957.2, NM_001353958.2); c.5569del, p.Met1856_Val1857insTer (NM_001202435.3, NM_001353948.2); c.5536del, p.Met1845_Val1846insTer (NM_001353949.2, NM_001353950.2, NM_001353951.2 and 2 more transcripts); c.5533del, p.Met1844_Val1845insTer (NM_001353954.2, NM_001353955.2); c.5482del, p.Met1827_Val1828insTer (NM_001353960.2); c.3127del, p.Met1042_Val1043insTer (NM_001353961.2).
Identifiers: ClinVar variation 2749885 (VCV002749885.3), dbSNP rs2468329771, ClinGen allele CA2697551207.

ClinVar aggregate classification (germline): Pathogenic (1 of 4 stars; one submission).

Conditions:
Early-infantile DEE. Also called: Ohtahara syndrome; Early infantile epileptic encephalopathy; Early infantile epileptic encephalopathy with suppression bursts. Identifiers: Orphanet 1934, MedGen C0393706, MONDO:0800491.

Submission:

Labcorp Genetics (formerly Invitae), Labcorp
Classification: Pathogenic for Early-infantile DEE. Last evaluated: 2023-08-03. Review status: criteria provided, single submitter. Criteria: Invitae Variant Classification Sherloc (09022015). Collection method: clinical testing. Allele origin: germline.
Comment: This sequence change creates a premature translational stop signal (p.Val1857*) in the SCN1A gene. While this is not anticipated to result in nonsense mediated decay, it is expected to disrupt the last 153 amino acid(s) of the SCN1A protein. This variant is not present in population databases (gnomAD no frequency). This variant has not been reported in the literature in individuals affected with SCN1A-related conditions. This variant disrupts a region of the SCN1A protein in which other variant(s) (p.Arg1927_Arg1928delinsSerGly) have been determined to be pathogenic (Invitae). This suggests that this is a clinically significant region of the protein, and that variants that disrupt it are likely to be disease-causing. For these reasons, this variant has been classified as Pathogenic.